The following is an entry in ClinVar:

NM_002878.4(RAD51D):c.263+1611G>A

Genes: RAD51D (RAD51 paralog D; minus strand), RAD51L3-RFFL (RAD51L3-RFFL readthrough; minus strand). Cytogenetic location: 17q12.
Variant type: single nucleotide variant.
Coding change: c.263+1611G>A on transcript NM_002878.4 (MANE Select); 1611 bases into the intron after coding-DNA position 263, G replaced by A.
Molecular consequence: intron variant. On other transcripts: missense variant (1).
Genome position (GRCh38, 1-based): chr17:35,116,890, C>T on the plus strand (G>A on the coding strand, the complement: RAD51D is on the minus strand). VCF-style: chr17-35116890-C-T. GRCh37 (hg19) VCF-style: chr17-33443909-C-T.
Other names: c.292G>A, p.Asp98Asn (NM_001142571.2); c.144+2221G>A (NM_133629.3); short protein forms D98N.
Identifiers: ClinVar variation 4989232 (VCV004989232.1).
Genomic context (GRCh38, chr17:35,116,890, plus strand): 5'-GGTTGTGACGAATAAATGAAATAATGTACCGTGAAGTGCTGACCGCAGTGCCTCGTTCAT[C>T]GAAAGCATTCAGCGAAAGTCCATCTGTTCCTCCATGCCCAAGTCCTGCCTTCTTCAGAGC-3'

ClinVar aggregate classification (germline): Uncertain significance (1 of 4 stars; one submission).

Conditions:
RAD51D-related disorder. Also called: RAD51D-related condition.

Submission:

PreventionGenetics, part of Exact Sciences
Classification: Uncertain significance for RAD51D-related condition. Last evaluated: 2025-11-26. Review status: criteria provided, single submitter. Criteria: ACMG Guidelines, 2015. Collection method: clinical testing. Allele origin: germline.
Comment: The RAD51D c.292G>A variant is predicted to result in the amino acid substitution p.Asp98Asn. This variant has been reported as uncertain in an individual from a biliary tract cancer study (reported as c.292G>A, p.Asp98Asn in transcript NM_001142571 in Supplementary Table 2, Okawa et al. 2023. PubMed ID: 36243179). This variant is reported in 0.0082% of alleles in individuals of African descent in gnomAD. At the time of reporting, this variant is absent from the ClinVar database. At this time, the clinical significance of this variant is uncertain due to the absence of conclusive functional and genetic evidence.